The following is an entry in ClinVar:

ClinVar aggregate classification (germline): Uncertain significance (1 of 4 stars; one submission).

Conditions:
Hereditary cancer-predisposing syndrome. Also called: Neoplastic Syndromes, Hereditary; Tumor predisposition; Hereditary neoplastic syndrome; Hereditary Cancer Syndrome. Identifiers: Orphanet 140162, MedGen C0027672, MeSH D009386, MONDO:0015356.

Allele frequency attached by ClinVar (database versions not stated): gnomAD exomes below 0.00001; TOPMed below 0.00001.
gnomAD v4.1: 1 of 1,614,186 alleles (0.000062%); highest among the groups gnomAD compares: Middle Eastern, 0.016%; no homozygotes.

Submission:

Ambry Genetics
Classification: Uncertain significance for Hereditary cancer-predisposing syndrome. Last evaluated: 2024-03-02. Review status: criteria provided, single submitter. Criteria: Ambry Variant Classification Scheme 2023. Collection method: clinical testing. Allele origin: germline.
Comment: The p.Y54C variant (also known as c.161A>G), located in coding exon 2 of the FH gene, results from an A to G substitution at nucleotide position 161. The tyrosine at codon 54 is replaced by cysteine, an amino acid with highly dissimilar properties. This amino acid position is conserved. In addition, the in silico prediction for this alteration is inconclusive. Based on the available evidence, the clinical significance of this alteration remains unclear.

NM_000143.4(FH):c.161A>G (p.Tyr54Cys)

Gene: FH (fumarate hydratase; minus strand). Cytogenetic location: 1q43.
Variant type: single nucleotide variant.
Coding change: c.161A>G on transcript NM_000143.4 (MANE Select); coding-DNA position 161, A replaced by G.
Protein change: p.Tyr54Cys; replaces tyrosine 54 with cysteine.
Molecular consequence: missense variant.
Genome position (GRCh38, 1-based): chr1:241,517,288, T>C on the plus strand (A>G on the coding strand, the complement: FH is on the minus strand). VCF-style: chr1-241517288-T-C. GRCh37 (hg19) VCF-style: chr1-241680588-T-C.
Other names: short protein forms Y54C.
Identifiers: ClinVar variation 3230442 (VCV003230442.1), dbSNP rs1270054582, ClinGen allele CA345441980.
Genomic context (GRCh38, chr1:241,517,288, plus strand): 5'-CTCACGGTCTGGGCGCCATAATACTTATCATTTGGCACCTTTAGTTCACCAAAGGTATCA[T>C]ATTCTATCCGGAAGGAATTTTGGCTTGCCTAAAGACAAGAATACAACACTATTACAAGTT-3'
Protein context (NP_000134.2, residues 44-64): MASQNSFRIE[Tyr54Cys]DTFGELKVPN